The following is an entry in ClinVar:

NM_002474.3(MYH11):c.3122-13T>G

Gene: MYH11 (myosin heavy chain 11; minus strand). Cytogenetic location: 16p13.11.
Variant type: single nucleotide variant.
Coding change: c.3122-13T>G on transcript NM_002474.3 (MANE Select); 13 bases into the intron before coding-DNA position 3122, T replaced by G.
Molecular consequence: intron variant.
Genome position (GRCh38, 1-based): chr16:15,737,633, A>C on the plus strand (T>G on the coding strand, the complement: MYH11 is on the minus strand). VCF-style: chr16-15737633-A-C. GRCh37 (hg19) VCF-style: chr16-15831490-A-C.
Other names: c.3122-13T>G (NM_022844.3); c.3143-13T>G (NM_001040114.2, NM_001040113.2).
Identifiers: ClinVar variation 3073292 (VCV003073292.1), dbSNP rs2506186944, ClinGen allele CA2825002392.

ClinVar aggregate classification (germline): Uncertain significance (1 of 4 stars; one submission).

Conditions:
Familial thoracic aortic aneurysm and aortic dissection (TAAD). Also called: Thoracic aortic aneurysms and dissections. Identifiers: Orphanet 91387, MedGen C4707243, MONDO:0019625.

Submission:

All of Us Research Program, National Institutes of Health
Classification: Uncertain significance for Familial thoracic aortic aneurysm and aortic dissection. Last evaluated: 2023-09-04. Review status: criteria provided, single submitter. Criteria: ACMG Guidelines, 2015. Collection method: clinical testing. Allele origin: germline. Inheritance: Autosomal dominant inheritance. Observed: 1 variant allele, 1 heterozygote.
Comment: This variant causes a T to G nucleotide substitution at the -13 position of intron 25 of the MYH11 gene. To our knowledge, functional studies have not been reported for this variant. This variant has not been reported in individuals affected with MYH11-related disorders in the literature. This variant has not been identified in the general population by the Genome Aggregation Database (gnomAD). The available evidence is insufficient to determine the role of this variant in disease conclusively. Therefore, this variant is classified as a Variant of Uncertain Significance.

This study involves interpretation of variants in research participants for the purpose of population health screening. Participant phenotype was not available at the time of variant classification. Additional details can be found in publication PMID: 35346344, PMCID: PMC8962531